The following is an entry in ClinVar:

ClinVar aggregate classification (germline): Benign/Likely benign. Review status: criteria provided, multiple submitters, no conflicts (2 of 4 stars). 2 submissions from 2 submitters: Benign (1); Likely benign (1). Last evaluated 2024-09-29.

Conditions:
Fanconi anemia complementation group J. Also called: BRIP1-Related Fanconi Anemia. Identifiers: Orphanet 84, MedGen C1836860, MONDO:0012187, OMIM 609054.
Familial cancer of breast. Also called: hereditary breast carcinoma; BREAST CANCER, FAMILIAL; Hereditary breast cancer. Identifiers: Orphanet 227535, MedGen C0346153, MONDO:0016419, OMIM 114480. Disease mechanism: loss of function.

gnomAD v4.1: 1 of 1,613,854 alleles (0.000062%); highest among the groups gnomAD compares: Non-Finnish European, 0.000085%; no homozygotes.

Submissions (2):

Labcorp Genetics (formerly Invitae), Labcorp
Classification: Likely benign for Familial cancer of breast; Fanconi anemia complementation group J. Last evaluated: 2024-09-29. Review status: criteria provided, single submitter. Criteria: Invitae Variant Classification Sherloc (09022015). Collection method: clinical testing. Allele origin: germline.

Myriad Genetics, Inc.
Classification: Benign for Familial cancer of breast. Last evaluated: 2024-08-22. Review status: criteria provided, single submitter. Criteria: Myriad Autosomal Dominant, Autosomal Recessive and X-Linked Classification Criteria (2023). Collection method: clinical testing. Allele origin: unknown.
Comment: This variant is considered benign. This variant is a silent/synonymous amino acid change and it is not expected to impact splicing.

NM_032043.3(BRIP1):c.732C>G (p.Pro244=)

Gene: BRIP1 (BRCA1 interacting DNA helicase 1; minus strand). Cytogenetic location: 17q23.2.
Variant type: single nucleotide variant.
Coding change: c.732C>G on transcript NM_032043.3 (MANE Select); coding-DNA position 732, C replaced by G.
Protein change: p.Pro244=; no amino-acid change (proline 244 retained).
Molecular consequence: synonymous variant.
Genome position (GRCh38, 1-based): chr17:61,808,653, G>C on the plus strand (C>G on the coding strand, the complement: BRIP1 is on the minus strand). VCF-style: chr17-61808653-G-C. GRCh37 (hg19) VCF-style: chr17-59886014-G-C.
Identifiers: ClinVar variation 3378989 (VCV003378989.3).